The following is an entry in ClinVar:

NM_017780.4(CHD7):c.2700del (p.Pro900_Val901insTer)

Gene: CHD7 (chromodomain helicase DNA binding protein 7; plus strand). Cytogenetic location: 8q12.2.
Variant type: Deletion.
Coding change: c.2700del on transcript NM_017780.4 (MANE Select); coding-DNA position 2700, one base deleted (T; older notation c.2700delT).
Protein change: p.Pro900_Val901insTer.
Molecular consequence: frameshift variant. On other transcripts: intron variant (1).
Genome position (GRCh38, 1-based): chr8:60,821,792, T deleted. VCF-style (leftmost placement, unchanged base first): chr8-60821791-CT-C. GRCh37 (hg19) VCF-style: chr8-61734350-CT-C.
Other names: c.1717-40437del (NM_001316690.1).
Identifiers: ClinVar variation 651761 (VCV000651761.6), dbSNP rs1586389286, ClinGen allele CA915945714.
Genomic context (GRCh38, chr8:60,821,791, plus strand): 5'-TGTATATGTATGTATGTGGTCAAATGAATCCAATTCTGATTTATTTAAATCTGGTCCAGC[CT>C]GTGACTCACTATCTGGTGAAGTGGTGTTCACTTCCTTATGAAGACAGCACGTGGGAGCGG-3'

ClinVar aggregate classification (germline): Pathogenic (1 of 4 stars; one submission).

Conditions:
CHARGE syndrome (CHARGE). Also called: Coloboma, heart anomaly, choanal atresia, retardation, genital and ear anomalies; CHARGE association; Hall-Hittner syndrome; Hittner Hirsch Kreh syndrome; CHARGE ASSOCIATION--COLOBOMA, HEART ANOMALY, CHOANAL ATRESIA, RETARDATION, GENITAL AND EAR ANOMALIES. Identifiers: Orphanet 138, MedGen C0265354, MONDO:0008965.

Submission:

Labcorp Genetics (formerly Invitae), Labcorp
Classification: Pathogenic for CHARGE syndrome. Last evaluated: 2018-08-20. Review status: criteria provided, single submitter. Criteria: Invitae Variant Classification Sherloc (09022015). Collection method: clinical testing. Allele origin: germline.
Comment: For these reasons, this variant has been classified as Pathogenic. Loss-of-function variants in CHD7 are known to be pathogenic (PMID: 22461308, 25077900). Algorithms developed to predict the effect of sequence changes on RNA splicing suggest that this variant may create or strengthen a splice site, but this prediction has not been confirmed by published transcriptional studies. This variant has not been reported in the literature in individuals with CHD7-related disease. This variant is not present in population databases (ExAC no frequency). This sequence change creates a premature translational stop signal (p.Val901*) in the CHD7 gene. It is expected to result in an absent or disrupted protein product.

Literature cited by the submitters: PubMed 22461308; PubMed 25077900.